The following is an entry in ClinVar:

ClinVar aggregate classification (germline): Uncertain significance (1 of 4 stars; one submission).

Allele frequency attached by ClinVar (database versions not stated): gnomAD exomes below 0.00001; ExAC 0.00001.
gnomAD v4.1: 1 of 1,610,764 alleles (0.000062%); highest among the groups gnomAD compares: South Asian, 0.0011%; no homozygotes.

Submission:

Labcorp Genetics (formerly Invitae), Labcorp
Classification: Uncertain significance. Last evaluated: 2022-07-01. Review status: criteria provided, single submitter. Criteria: Invitae Variant Classification Sherloc (09022015). Collection method: clinical testing. Allele origin: germline.
Comment: This sequence change replaces proline, which is neutral and non-polar, with leucine, which is neutral and non-polar, at codon 609 of the HELLS protein (p.Pro609Leu). In summary, the available evidence is currently insufficient to determine the role of this variant in disease. Therefore, it has been classified as a Variant of Uncertain Significance. Algorithms developed to predict the effect of missense changes on protein structure and function (SIFT, PolyPhen-2, Align-GVGD) all suggest that this variant is likely to be disruptive. This variant has not been reported in the literature in individuals affected with HELLS-related conditions. This variant is present in population databases (rs762107312, gnomAD 0.003%).

NM_018063.5(HELLS):c.1826C>T (p.Pro609Leu)

Gene: HELLS (helicase, lymphoid specific; plus strand). Cytogenetic location: 10q23.33.
Variant type: single nucleotide variant.
Coding change: c.1826C>T on transcript NM_018063.5 (MANE Select); coding-DNA position 1826, C replaced by T.
Protein change: p.Pro609Leu; replaces proline 609 with leucine.
Molecular consequence: missense variant.
Genome position (GRCh38, 1-based): chr10:94,592,287, C>T. VCF-style: chr10-94592287-C-T. GRCh37 (hg19) VCF-style: chr10-96352044-C-T.
Other names: c.1730C>T, p.Pro577Leu (NM_001289069.2); c.1532C>T, p.Pro511Leu (NM_001289070.2); c.1454C>T, p.Pro485Leu (NM_001289071.2); c.1436C>T, p.Pro479Leu (NM_001289072.2); c.1412C>T, p.Pro471Leu (NM_001289073.2); c.743C>T, p.Pro248Leu (NM_001289074.2); c.608C>T, p.Pro203Leu (NM_001289075.2); c.1964C>T, p.Pro655Leu (NM_001289067.2); and 1 more; short protein forms P203L, P248L, P485L, P471L, P511L, P593L, P609L, P479L.
Identifiers: ClinVar variation 2013050 (VCV002013050.4), dbSNP rs762107312, ClinGen allele CA5615596.